The following is an entry in ClinVar:

ClinVar aggregate classification (germline): Uncertain significance. Review status: criteria provided, multiple submitters, no conflicts (2 of 4 stars). 2 submissions from 2 submitters: Uncertain significance (2). Last evaluated 2026-03-12.

Conditions:
Bloom syndrome (BLM). Also called: Bloom-Torre-Machacek syndrome. Identifiers: Orphanet 125, MedGen C0005859, MONDO:0008876, OMIM 210900.
Hereditary cancer-predisposing syndrome. Also called: Tumor predisposition; Neoplastic Syndromes, Hereditary; Hereditary Cancer Syndrome; Hereditary neoplastic syndrome. Identifiers: Orphanet 140162, MedGen C0027672, MeSH D009386, MONDO:0015356.

Submissions (2):

Ambry Genetics
Classification: Uncertain significance for Hereditary cancer-predisposing syndrome. Last evaluated: 2026-03-12. Review status: criteria provided, single submitter. Criteria: Ambry Variant Classification Scheme 2023. Collection method: clinical testing. Allele origin: germline.
Comment: The p.L208F variant (also known as c.624G>T), located in coding exon 2 of the BLM gene, results from a G to T substitution at nucleotide position 624. The leucine at codon 208 is replaced by phenylalanine, an amino acid with highly similar properties. This amino acid position is conserved. In addition, this alteration is predicted to be tolerated by in silico analysis. Based on the available evidence, the clinical significance of this variant remains unclear.

Labcorp Genetics (formerly Invitae), Labcorp
Classification: Uncertain significance for Bloom syndrome. Last evaluated: 2022-11-13. Review status: criteria provided, single submitter. Criteria: Invitae Variant Classification Sherloc (09022015). Collection method: clinical testing. Allele origin: germline.
Comment: This sequence change replaces leucine, which is neutral and non-polar, with phenylalanine, which is neutral and non-polar, at codon 208 of the BLM protein (p.Leu208Phe). This variant is not present in population databases (gnomAD no frequency). This variant has not been reported in the literature in individuals affected with BLM-related conditions. Algorithms developed to predict the effect of missense changes on protein structure and function (SIFT, PolyPhen-2, Align-GVGD) all suggest that this variant is likely to be tolerated. In summary, the available evidence is currently insufficient to determine the role of this variant in disease. Therefore, it has been classified as a Variant of Uncertain Significance.

NM_000057.4(BLM):c.624G>T (p.Leu208Phe)

Gene: BLM (BLM RecQ like helicase; plus strand). Cytogenetic location: 15q26.1.
Variant type: single nucleotide variant.
Coding change: c.624G>T on transcript NM_000057.4 (MANE Select); coding-DNA position 624, G replaced by T.
Protein change: p.Leu208Phe; replaces leucine 208 with phenylalanine.
Molecular consequence: missense variant. On other transcripts: 5 prime UTR variant (1).
Genome position (GRCh38, 1-based): chr15:90,749,892, G>T. VCF-style: chr15-90749892-G-T. GRCh37 (hg19) VCF-style: chr15-91293122-G-T.
Other names: c.624G>T, p.Leu208Phe (NM_001287246.2, NM_001287247.2); c.-668G>T (NM_001287248.2); short protein forms L208F.
Identifiers: ClinVar variation 2894402 (VCV002894402.4), dbSNP rs2505393756, ClinGen allele CA393841197.